The following is an entry in ClinVar:

ClinVar aggregate classification (germline): Likely benign. Review status: criteria provided, multiple submitters, no conflicts (2 of 4 stars). 3 submissions from 3 submitters: Likely benign (2). 1 of the submissions does not count toward it. Last evaluated 2024-11-25.

Conditions:
SHROOM3-related disorder. Also called: SHROOM3-related condition.

Allele frequency attached by ClinVar (database versions not stated): ESP Exome Variant Server 0.00273; 1000 Genomes Project 0.00280; 1000 Genomes Project 30x 0.00297; ExAC 0.00349; gnomAD 0.00365; TOPMed 0.00418; gnomAD exomes 0.00515.
gnomAD v4.1: 7,781 of 1,546,488 alleles (0.5%); highest among the groups gnomAD compares: Middle Eastern, 0.62%; 34 homozygotes.

Submissions (3):

Blueprint Genetics
Classification: Likely benign. Last evaluated: 2024-11-25. Review status: criteria provided, single submitter. Criteria: ACMG Guidelines, 2015. Collection method: clinical testing. Allele origin: germline.

CeGaT Center for Human Genetics Tuebingen
Classification: Likely benign. Last evaluated: 2022-12-01. Review status: criteria provided, single submitter. Criteria: CeGaT Center For Human Genetics Tuebingen Variant Classification Criteria Version 2. Collection method: clinical testing. Allele origin: germline. Affected: yes. Observed: 1 variant allele.
Comment: SHROOM3: BP4, BP7, BS2

PreventionGenetics, part of Exact Sciences
Classification: Likely benign for SHROOM3-related condition. Last evaluated: 2020-01-03. Review status: no assertion criteria provided. Collection method: clinical testing. Allele origin: germline. Not counted in ClinVar's aggregate classification.
Comment: This variant is classified as likely benign based on ACMG/AMP sequence variant interpretation guidelines (Richards et al. 2015 PMID: 25741868, with internal and published modifications).

NM_020859.4(SHROOM3):c.3474C>G (p.Ala1158=)

Genes: SHROOM3 (shroom family member 3; plus strand), SHROOM3-AS1 (SHROOM3 antisense RNA 1; minus strand). Cytogenetic location: 4q21.1.
Variant type: single nucleotide variant.
Coding change: c.3474C>G on transcript NM_020859.4 (MANE Select); coding-DNA position 3474, C replaced by G.
Protein change: p.Ala1158=; no amino-acid change (alanine 1158 retained).
Molecular consequence: synonymous variant.
Genome position (GRCh38, 1-based): chr4:76,741,647, C>G. VCF-style: chr4-76741647-C-G. GRCh37 (hg19) VCF-style: chr4-77662800-C-G.
Other names: c.3474C>G (NM_020859.3).
Identifiers: ClinVar variation 2654831 (VCV002654831.26), dbSNP rs142653019, ClinGen allele CA2972792.